The following is an entry in ClinVar:

ClinVar aggregate classification (germline): Likely pathogenic (1 of 4 stars; one submission).

Submission:

Labcorp Genetics (formerly Invitae), Labcorp
Classification: Likely pathogenic. Last evaluated: 2022-02-10. Review status: criteria provided, single submitter. Criteria: Invitae Variant Classification Sherloc (09022015). Collection method: clinical testing. Allele origin: germline.
Comment: Algorithms developed to predict the effect of sequence changes on RNA splicing suggest that this variant may disrupt the consensus splice site. In summary, the currently available evidence indicates that the variant is pathogenic, but additional data are needed to prove that conclusively. Therefore, this variant has been classified as Likely Pathogenic. This variant results in the deletion of part of exon 11 (c.1708_1766+12del) of the EYS gene. It is expected to disrupt RNA splicing. Variants that disrupt the donor or acceptor splice site typically lead to a loss of protein function (PMID: 16199547), and loss-of-function variants in EYS are known to be pathogenic (PMID: 18836446, 20333770). This variant is not present in population databases (gnomAD no frequency). This variant has not been reported in the literature in individuals affected with EYS-related conditions.

Literature cited by the submitters: PubMed 16199547; PubMed 18836446; PubMed 20333770.

NM_001142800.2(EYS):c.1708_1766+12del

Gene: EYS (EGF-like photoreceptor maintenance factor; minus strand). Cytogenetic location: 6q12.
Variant type: Deletion.
Coding change: c.1708_1766+12del on transcript NM_001142800.2 (MANE Select); coding-DNA position 1708 through 12 bases into the intron after coding-DNA position 1766, 71 bases deleted.
Molecular consequence: splice donor variant. On other transcripts: frameshift variant (1).
Genome position (GRCh38, 1-based): chr6:65,334,968-65,335,038, 71 bases deleted. GRCh37 (hg19): chr6:66,044,863-66,044,933.
Other names: c.1708_1778del, p.Asp570fs (NM_198283.2); c.1708_1766+12del (NM_001292009.2, NM_001142801.2); short protein forms D570fs.
Identifiers: ClinVar variation 2096131 (VCV002096131.4), dbSNP rs2533136246, ClinGen allele CA2580075671.